The following is an entry in ClinVar:

NM_022124.6(CDH23):c.6855C>T (p.Asp2285=)

Gene: CDH23 (cadherin related 23; plus strand). Cytogenetic location: 10q22.1.
Variant type: single nucleotide variant.
Coding change: c.6855C>T on transcript NM_022124.6 (MANE Select); coding-DNA position 6855, C replaced by T.
Protein change: p.Asp2285=; no amino-acid change (aspartic acid 2285 retained).
Molecular consequence: synonymous variant.
Genome position (GRCh38, 1-based): chr10:71,798,379, C>T. VCF-style: chr10-71798379-C-T. GRCh37 (hg19) VCF-style: chr10-73558136-C-T.
Other names: c.135C>T, p.Asp45= (NM_001171933.1, NM_001171934.1).
Identifiers: ClinVar variation 747363 (VCV000747363.13), dbSNP rs750385396, ClinGen allele CA5546209.

ClinVar aggregate classification (germline): Likely benign. Review status: criteria provided, multiple submitters, no conflicts (2 of 4 stars). 4 submissions from 4 submitters: Likely benign (3). 1 of the submissions does not count toward it. Last evaluated 2025-11-14.

Conditions:
CDH23-related disorder. Also called: CDH23-related disorders; CDH23-related condition.
Usher syndrome type 1 (USH1). Also called: RETINITIS PIGMENTOSA AND CONGENITAL DEAFNESS. Identifiers: Orphanet 231169, Orphanet 886, MedGen C1568247, MONDO:0010168, OMIM 276900.

Allele frequency attached by ClinVar (database versions not stated): gnomAD exomes 0.00002; gnomAD 0.00003; TOPMed 0.00001; ExAC 0.00002.
gnomAD v4.1: 67 of 1,613,710 alleles (0.0042%); highest among the groups gnomAD compares: South Asian, 0.025%; no homozygotes.

Submissions (4):

PreventionGenetics, part of Exact Sciences
Classification: Likely benign for CDH23-related condition. Last evaluated: 2025-11-14. Review status: criteria provided, single submitter. Criteria: ACMG Guidelines, 2015. Collection method: clinical testing. Allele origin: germline.
Comment: This variant is classified as likely benign based on ACMG/AMP sequence variant interpretation guidelines (Richards et al. 2015 PMID: 25741868, with internal and published modifications).

Labcorp Genetics (formerly Invitae), Labcorp
Classification: Likely benign. Last evaluated: 2025-04-07. Review status: criteria provided, single submitter. Criteria: Invitae Variant Classification Sherloc (09022015). Collection method: clinical testing. Allele origin: germline.

Blueprint Genetics
Classification: Likely benign. Last evaluated: 2024-01-19. Review status: criteria provided, single submitter. Criteria: ACMG Guidelines, 2015. Collection method: clinical testing. Allele origin: germline.

Natera, Inc.
Classification: Likely benign for Usher syndrome type 1. Last evaluated: 2020-04-17. Review status: no assertion criteria provided. Collection method: clinical testing. Allele origin: germline. Not counted in ClinVar's aggregate classification.